The following is an entry in ClinVar:

NM_003072.5(SMARCA4):c.2396A>G (p.His799Arg)

Gene: SMARCA4 (SWI/SNF related BAF chromatin remodeling complex subunit ATPase 4; plus strand). Cytogenetic location: 19p13.2.
Variant type: single nucleotide variant.
Coding change: c.2396A>G on transcript NM_003072.5 (MANE Select); coding-DNA position 2396, A replaced by G.
Protein change: p.His799Arg; replaces histidine 799 with arginine.
Molecular consequence: missense variant. On other transcripts: non-coding transcript variant (1).
Genome position (GRCh38, 1-based): chr19:11,013,070, A>G. VCF-style: chr19-11013070-A-G. GRCh37 (hg19) VCF-style: chr19-11123746-A-G.
Other names: c.2396A>G (NM_001128849.1); c.2396A>G, p.His799Arg (NM_001128844.3, NM_001128845.2, NM_001128846.2 and 5 more transcripts); short protein forms H799R.
Identifiers: ClinVar variation 1047490 (VCV001047490.10), dbSNP rs747912219, ClinGen allele CA9204094.

ClinVar aggregate classification (germline): Uncertain significance. Review status: criteria provided, multiple submitters, no conflicts (2 of 4 stars). 2 submissions from 2 submitters: Uncertain significance (2). Last evaluated 2025-08-10.

Conditions:
Hereditary cancer-predisposing syndrome. Also called: Hereditary Cancer Syndrome; Tumor predisposition; Hereditary neoplastic syndrome; Neoplastic Syndromes, Hereditary. Identifiers: Orphanet 140162, MedGen C0027672, MeSH D009386, MONDO:0015356.
Rhabdoid tumor predisposition syndrome 2 (RTPS2). Identifiers: Orphanet 231108, Orphanet 69077, MedGen C2750074, MONDO:0013224, OMIM 613325.

Allele frequency attached by ClinVar (database versions not stated): gnomAD exomes 0.00001; ExAC 0.00002.
gnomAD v4.1: 4 of 1,614,198 alleles (0.00025%); highest among the groups gnomAD compares: Admixed American, 0.0067%; no homozygotes.

Submissions (2):

Labcorp Genetics (formerly Invitae), Labcorp
Classification: Uncertain significance for Rhabdoid tumor predisposition syndrome 2. Last evaluated: 2025-08-10. Review status: criteria provided, single submitter. Criteria: Invitae Variant Classification Sherloc (09022015). Collection method: clinical testing. Allele origin: germline.
Comment: This sequence change replaces histidine, which is basic and polar, with arginine, which is basic and polar, at codon 799 of the SMARCA4 protein (p.His799Arg). This variant is present in population databases (rs747912219, gnomAD 0.01%). This variant has not been reported in the literature in individuals affected with SMARCA4-related conditions. ClinVar contains an entry for this variant (Variation ID: 1047490). Invitae Evidence Modeling of protein sequence and biophysical properties (such as structural, functional, and spatial information, amino acid conservation, physicochemical variation, residue mobility, and thermodynamic stability) indicates that this missense variant is not expected to disrupt SMARCA4 protein function with a negative predictive value of 95%. In summary, the available evidence is currently insufficient to determine the role of this variant in disease. Therefore, it has been classified as a Variant of Uncertain Significance.

Ambry Genetics
Classification: Uncertain significance for Hereditary cancer-predisposing syndrome. Last evaluated: 2023-08-16. Review status: criteria provided, single submitter. Criteria: Ambry Variant Classification Scheme 2023. Collection method: clinical testing. Allele origin: germline.
Comment: The p.H799R variant (also known as c.2396A>G), located in coding exon 15 of the SMARCA4 gene, results from an A to G substitution at nucleotide position 2396. The histidine at codon 799 is replaced by arginine, an amino acid with highly similar properties. This amino acid position is well conserved in available vertebrate species. In addition, the in silico prediction for this alteration is inconclusive. Based on data from gnomAD, the frequency for this variant is above the maximum credible frequency for a rhabdoid tumor predisposition syndrome-causing variant in this gene based on internally established thresholds (Karczewski et al. Nature. 2020 May;581(7809):434-443; Whiffin et al. Genet Med. 2017 10;19:1151-1158). Missense and in-frame variants in SMARCA4 are known to cause neurodevelopmental disorders; however, such associations with rhabdoid tumor predisposition syndrome including small cell carcinoma of the ovary-hypercalcemic type (SCCOHT) are exceedingly rare (Kosho T et al. Am J Med Genet C Semin Med Genet. 2014 Sep;166C(3):262-75; Jelinic P et al. Nat Genet. 2014 May;46(5):424-6). Based on the supporting evidence, the association of this alteration with Coffin-Siris syndrome is unknown; however, the association of this alteration with rhabdoid tumor predisposition syndrome is unlikely.